The following is an entry in ClinVar:

NM_001378615.1(CC2D2A):c.4852C>G (p.Arg1618Gly)

Genes: CC2D2A (coiled-coil and C2 domain containing 2A; plus strand), FBXL5 (F-box and leucine rich repeat protein 5; minus strand). Cytogenetic location: 4p15.32.
Variant type: single nucleotide variant.
Coding change: c.4852C>G on transcript NM_001378615.1 (MANE Select); coding-DNA position 4852, C replaced by G.
Protein change: p.Arg1618Gly; replaces arginine 1618 with glycine.
Molecular consequence: missense variant.
Genome position (GRCh38, 1-based): chr4:15,601,414, C>G. VCF-style: chr4-15601414-C-G. GRCh37 (hg19) VCF-style: chr4-15603037-C-G.
Other names: c.4852C>G, p.Arg1618Gly (NM_001080522.2); c.4705C>G, p.Arg1569Gly (NM_001378617.1); short protein forms R1569G, R1618G.
Identifiers: ClinVar variation 2168141 (VCV002168141.2), dbSNP rs201219078, ClinGen allele CA356437244.

ClinVar aggregate classification (germline): Uncertain significance (1 of 4 stars; one submission).

Conditions:
Joubert syndrome. Also called: JOUBERT-BOLTSHAUSER SYNDROME; Familial aplasia of the vermis. Identifiers: Orphanet 475, MedGen C5979921, MONDO:0018772.
Meckel-Gruber syndrome. Also called: DYSENCEPHALIA SPLANCHNOCYSTICA; GRUBER SYNDROME; Dysencephalia splachnocystica. Identifiers: Orphanet 564, MedGen C0265215, MONDO:0018921.

gnomAD v4.1: 1 of 1,482,556 alleles (0.000067%); highest among the groups gnomAD compares: Non-Finnish European, 0.00009%; no homozygotes.

Submission:

Labcorp Genetics (formerly Invitae), Labcorp
Classification: Uncertain significance for Joubert syndrome; Meckel-Gruber syndrome. Last evaluated: 2022-08-05. Review status: criteria provided, single submitter. Criteria: Invitae Variant Classification Sherloc (09022015). Collection method: clinical testing. Allele origin: germline.
Comment: In summary, the available evidence is currently insufficient to determine the role of this variant in disease. Therefore, it has been classified as a Variant of Uncertain Significance. Advanced modeling of protein sequence and biophysical properties (such as structural, functional, and spatial information, amino acid conservation, physicochemical variation, residue mobility, and thermodynamic stability) performed at Invitae indicates that this missense variant is expected to disrupt CC2D2A protein function. This variant has not been reported in the literature in individuals affected with CC2D2A-related conditions. This variant is not present in population databases (gnomAD no frequency). This sequence change replaces arginine, which is basic and polar, with glycine, which is neutral and non-polar, at codon 1618 of the CC2D2A protein (p.Arg1618Gly).